The following is an entry in ClinVar:

NM_006914.4(RORB):c.1331C>T (p.Pro444Leu)

Genes: RORB (RAR related orphan receptor B; plus strand), LOC124310566 (Sharpr-MPRA regulatory region 9792; plus strand). Cytogenetic location: 9q21.13.
Variant type: single nucleotide variant.
Coding change: c.1331C>T on transcript NM_006914.4 (MANE Select); coding-DNA position 1331, C replaced by T.
Protein change: p.Pro444Leu; replaces proline 444 with leucine.
Molecular consequence: missense variant.
Genome position (GRCh38, 1-based): chr9:74,685,569, C>T. VCF-style: chr9-74685569-C-T. GRCh37 (hg19) VCF-style: chr9-77300485-C-T.
Other names: c.1364C>T, p.Pro455Leu (NM_001365023.1); short protein forms P455L, P444L.
Identifiers: ClinVar variation 4726529 (VCV004726529.1).

ClinVar aggregate classification (germline): Uncertain significance (1 of 4 stars; one submission).

Submission:

Labcorp Genetics (formerly Invitae), Labcorp
Classification: Uncertain significance. Last evaluated: 2025-09-03. Review status: criteria provided, single submitter. Criteria: Invitae Variant Classification Sherloc (09022015). Collection method: clinical testing. Allele origin: germline.
Comment: This sequence change replaces proline, which is neutral and non-polar, with leucine, which is neutral and non-polar, at codon 444 of the RORB protein (p.Pro444Leu). This variant is not present in population databases (gnomAD no frequency). This variant has not been reported in the literature in individuals affected with RORB-related conditions. An algorithm developed to predict the effect of missense changes on protein structure and function (PolyPhen-2) suggests that this variant is likely to be disruptive. In summary, the available evidence is currently insufficient to determine the role of this variant in disease. Therefore, it has been classified as a Variant of Uncertain Significance.